The following is an entry in ClinVar:

NM_001184880.2(PCDH19):c.378_379dup (p.Pro127fs)

Gene: PCDH19 (protocadherin 19; minus strand). Cytogenetic location: Xq22.1.
Variant type: Microsatellite.
Coding change: c.378_379dup on transcript NM_001184880.2 (MANE Select); coding-DNA positions 378 to 379, 2 bases duplicated (GC; older notation c.378_379dupGC).
Protein change: p.Pro127fs; shifts the reading frame from proline 127.
Molecular consequence: frameshift variant.
Genome position (GRCh38, 1-based): chrX:100,408,219-100,408,220, GC duplicated on the plus strand (GC on the coding strand, the reverse complement: PCDH19 is on the minus strand); duplicating any 2 consecutive bases within chrX:100,408,219-100,408,222 gives the same sequence; the c. name uses the placement nearest the transcript's 3' end. VCF-style (leftmost placement, unchanged base first): chrX-100408218-G-GGC. GRCh37 (hg19) VCF-style: chrX-99663216-G-GGC.
Other names: c.378_379dup, p.Pro127fs (NM_001105243.2, NM_020766.3); short protein forms P127fs.
Identifiers: ClinVar variation 2847501 (VCV002847501.3), dbSNP rs2520995137, ClinGen allele CA2739273667.

ClinVar aggregate classification (germline): Pathogenic (1 of 4 stars; one submission).

Conditions:
Developmental and epileptic encephalopathy, 9 (DEE9). Also called: Early infantile epileptic encephalopathy 9; EPILEPSY, FEMALE-RESTRICTED, WITH MENTAL RETARDATION; PCDH19-Related X-Linked Female-Limited Epilepsy with Mental Retardation; JUBERG-HELLMAN SYNDROME. Identifiers: Orphanet 101039, Orphanet 2076, MedGen C1848137, MONDO:0010246, OMIM 300088. Disease mechanism: loss of function.

Submission:

Labcorp Genetics (formerly Invitae), Labcorp
Classification: Pathogenic for Developmental and epileptic encephalopathy, 9. Last evaluated: 2023-03-19. Review status: criteria provided, single submitter. Criteria: Invitae Variant Classification Sherloc (09022015). Collection method: clinical testing. Allele origin: germline.
Comment: For these reasons, this variant has been classified as Pathogenic. This variant has not been reported in the literature in individuals affected with PCDH19-related conditions. This variant is not present in population databases (gnomAD no frequency). This sequence change creates a premature translational stop signal (p.Pro127Argfs*86) in the PCDH19 gene. It is expected to result in an absent or disrupted protein product. Loss-of-function variants in PCDH19 are known to be pathogenic (PMID: 21053371).

Literature cited by the submitters: PubMed 21053371.